The following is an entry in ClinVar:

NM_000187.4(HGD):c.1027A>C (p.Met343Leu)

Gene: HGD (homogentisate 1,2-dioxygenase; minus strand). Cytogenetic location: 3q13.33.
Variant type: single nucleotide variant.
Coding change: c.1027A>C on transcript NM_000187.4 (MANE Select); coding-DNA position 1027, A replaced by C.
Protein change: p.Met343Leu; replaces methionine 343 with leucine.
Molecular consequence: missense variant.
Genome position (GRCh38, 1-based): chr3:120,633,308, T>G on the plus strand (A>C on the coding strand, the complement: HGD is on the minus strand). VCF-style: chr3-120633308-T-G. GRCh37 (hg19) VCF-style: chr3-120352155-T-G.
Other names: short protein forms M343L.
Identifiers: ClinVar variation 342739 (VCV000342739.16), dbSNP rs755078457, ClinGen allele CA2559978.

ClinVar aggregate classification (germline): Conflicting classifications of pathogenicity. Review status: criteria provided, conflicting classifications (1 of 4 stars). 4 submissions from 4 submitters: Uncertain significance (1); Likely benign (3). Last evaluated 2026-05-19.

Conditions:
Alkaptonuria (AKU). Also called: Alcaptonuria; HOMOGENTISIC ACID OXIDASE DEFICIENCY; Homogentisic acidura; Alkaptonuric ochronosis. Identifiers: Orphanet 56, MedGen C0002066, MONDO:0008753, OMIM 203500.

Allele frequency attached by ClinVar (database versions not stated): gnomAD 0.00004; gnomAD exomes 0.00005 and 0.00022; TOPMed 0.00011; ExAC 0.00029.
gnomAD v4.1: 79 of 1,614,070 alleles (0.0049%); highest among the groups gnomAD compares: East Asian, 0.16%; no homozygotes.

Submissions (4):

Myriad Genetics, Inc.
Classification: Uncertain significance for Alkaptonuria. Last evaluated: 2026-05-19. Review status: criteria provided, single submitter. Criteria: Myriad Autosomal Dominant, Autosomal Recessive and X-Linked Classification Criteria (2023). Collection method: clinical testing. Allele origin: unknown.
Comment: NM_000187.3(HGD):c.1027A>C(M343L) is a missense variant classified as a variant of uncertain significance in the context of alkaptonuria. M343L has been observed in a case with relevant disease (PMID: 41323097). Relevant functional assessments of this variant are not available in the literature. M343L has been observed in referenced population frequency databases. In summary, there is insufficient evidence to classify NM_000187.3(HGD):c.1027A>C(M343L) as pathogenic or benign. Please note: this variant was assessed in the context of healthy population screening.

Labcorp Genetics (formerly Invitae), Labcorp
Classification: Likely benign for Alkaptonuria. Last evaluated: 2026-01-25. Review status: criteria provided, single submitter. Criteria: Invitae Variant Classification Sherloc (09022015). Collection method: clinical testing. Allele origin: germline.

Fulgent Genetics
Classification: Likely benign for Alkaptonuria. Last evaluated: 2021-07-11. Review status: criteria provided, single submitter. Criteria: ACMG Guidelines, 2015. Collection method: clinical testing. Allele origin: unknown.

Illumina Laboratory Services, Illumina
Classification: Likely benign for Alkaptonuria. Last evaluated: 2018-01-13. Review status: criteria provided, single submitter. Criteria: ICSL Variant Classification Criteria 13 December 2019. Collection method: clinical testing. Allele origin: germline.
Comment: This variant was observed in the ICSL laboratory as part of a predisposition screen in an ostensibly healthy population. It had not been previously curated by ICSL or reported in the Human Gene Mutation Database (HGMD: prior to June 1st, 2018), and was therefore a candidate for classification through an automated scoring system. Utilizing variant allele frequency, disease prevalence and penetrance estimates, and inheritance mode, an automated score was calculated to assess if this variant is too frequent to cause the disease. Based on the score and internal cut-off values, a variant classified as likely benign is not then subjected to further curation. The score for this variant resulted in a classification of likely benign for this disease.

Literature cited by the submitters: PubMed 41323097 (cited by Myriad Genetics, Inc.).